The following is an entry in ClinVar:

NM_000238.4(KCNH2):c.1779A>G (p.Ile593Met)

Gene: KCNH2 (potassium voltage-gated channel subfamily H member 2; minus strand). Cytogenetic location: 7q36.1.
Variant type: single nucleotide variant.
Coding change: c.1779A>G on transcript NM_000238.4 (MANE Select); coding-DNA position 1779, A replaced by G.
Protein change: p.Ile593Met; replaces isoleucine 593 with methionine.
Molecular consequence: missense variant.
Genome position (GRCh38, 1-based): chr7:150,951,614, T>C on the plus strand (A>G on the coding strand, the complement: KCNH2 is on the minus strand). VCF-style: chr7-150951614-T-C. GRCh37 (hg19) VCF-style: chr7-150648702-T-C.
Other names: c.759A>G, p.Ile253Met (NM_001204798.2, NM_172057.3); c.1491A>G, p.Ile497Met (NM_001406753.1, NM_001406756.1); c.1602A>G, p.Ile534Met (NM_001406755.1); c.1479A>G, p.Ile493Met (NM_001406757.1); c.1779A>G, p.Ile593Met (NM_172056.3); short protein forms I497M, I593M, I253M, I493M, I534M.
Identifiers: ClinVar variation 2076245 (VCV002076245.4), dbSNP rs2486037799, ClinGen allele CA369858083.

ClinVar aggregate classification (germline): Uncertain significance (1 of 4 stars; one submission).

Conditions:
Long QT syndrome (LQTS). Identifiers: MedGen C0023976, MeSH D008133, MONDO:0002442. Disease mechanism: loss of function. Inheritance: Various modes of inheritance.

Submission:

Labcorp Genetics (formerly Invitae), Labcorp
Classification: Uncertain significance for Long QT syndrome. Last evaluated: 2022-01-06. Review status: criteria provided, single submitter. Criteria: Invitae Variant Classification Sherloc (09022015). Collection method: clinical testing. Allele origin: germline.
Comment: This missense change has been observed in individual(s) with clinical features of long QT syndrome (Invitae). This sequence change replaces isoleucine, which is neutral and non-polar, with methionine, which is neutral and non-polar, at codon 593 of the KCNH2 protein (p.Ile593Met). This variant is not present in population databases (gnomAD no frequency). Algorithms developed to predict the effect of missense changes on protein structure and function are either unavailable or do not agree on the potential impact of this missense change (SIFT: "Tolerated"; PolyPhen-2: "Probably Damaging"; Align-GVGD: "Class C0"). This variant disrupts the p.Ile593 amino acid residue in KCNH2. Other variant(s) that disrupt this residue have been determined to be pathogenic (PMID: 8635257, 19716085, 21956039; Invitae). This suggests that this residue is clinically significant, and that variants that disrupt this residue are likely to be disease-causing. In summary, the available evidence is currently insufficient to determine the role of this variant in disease. Therefore, it has been classified as a Variant of Uncertain Significance.

Literature cited by the submitters: PubMed 8635257; PubMed 19716085; PubMed 21956039.